The following is an entry in ClinVar:

ClinVar aggregate classification (germline): Benign (1 of 4 stars; one submission).

Allele frequency attached by ClinVar (database versions not stated): gnomAD exomes 0.01419; gnomAD 0.04686 and 0.04700; TOPMed 0.05112; 1000 Genomes Project 0.07428; 1000 Genomes Project 30x 0.07854.
gnomAD v4.1: 17,157 of 848,534 alleles (2%); highest among the groups gnomAD compares: African/African-American, 14%; 899 homozygotes.

Submission:

GeneDx
Classification: Benign. Last evaluated: 2018-06-16. Review status: criteria provided, single submitter. Criteria: GeneDx Variant Classification (06012015). Collection method: clinical testing. Allele origin: germline. Affected: yes.
Comment: This variant is considered likely benign or benign based on one or more of the following criteria: it is a conservative change, it occurs at a poorly conserved position in the protein, it is predicted to be benign by multiple in silico algorithms, and/or has population frequency not consistent with disease.

NM_001258392.3(CLPB):c.456-135C>A

Gene: CLPB (ClpB family mitochondrial disaggregase; minus strand). Cytogenetic location: 11q13.4.
Variant type: single nucleotide variant.
Coding change: c.456-135C>A on transcript NM_001258392.3 (MANE Select); 135 bases into the intron before coding-DNA position 456, C replaced by A.
Molecular consequence: intron variant.
Genome position (GRCh38, 1-based): chr11:72,403,187, G>T on the plus strand (C>A on the coding strand, the complement: CLPB is on the minus strand). VCF-style: chr11-72403187-G-T. GRCh37 (hg19) VCF-style: chr11-72114231-G-T.
Other names: c.456-22803C>A (NM_001258393.3); c.456-135C>A (NM_030813.6); c.321-135C>A (NM_001258394.3).
Identifiers: ClinVar variation 676299 (VCV000676299.1), dbSNP rs74714550, ClinGen allele CA224498290.
Genomic context (GRCh38, chr11:72,403,187, plus strand): 5'-CAGAGGAATATTTTCAGTGTATGGCTTATCATGGATGTAAAAGTAGAAACAACCATAGAA[G>T]AAATGACATAGTCAACAAACAGAGCCTGAATGAGTCAGGAAATAGAGGCCTTTGAGGACT-3'